The following is an entry in ClinVar:

NM_001267550.2(TTN):c.50669A>C (p.Glu16890Ala)

Genes: TTN (titin; minus strand), TTN-AS1 (TTN antisense RNA 1; plus strand). Cytogenetic location: 2q31.2.
Variant type: single nucleotide variant.
Coding change: c.50669A>C on transcript NM_001267550.2 (MANE Select); coding-DNA position 50669, A replaced by C.
Protein change: p.Glu16890Ala; replaces glutamic acid 16890 with alanine.
Molecular consequence: missense variant.
Genome position (GRCh38, 1-based): chr2:178,611,560, T>G on the plus strand (A>C on the coding strand, the complement: TTN is on the minus strand). VCF-style: chr2-178611560-T-G. GRCh37 (hg19) VCF-style: chr2-179476287-T-G.
Other names: p.E15249A:GAA>GCA; c.45746A>C, p.Glu15249Ala (NM_001256850.1); c.23474A>C, p.Glu7825Ala (NM_003319.4); c.42965A>C, p.Glu14322Ala (NM_133378.4); c.23849A>C, p.Glu7950Ala (NM_133432.3); c.24050A>C, p.Glu8017Ala (NM_133437.4); short protein forms E15249A, E16890A, E7825A, E7950A, E14322A, E8017A.
Identifiers: ClinVar variation 202684 (VCV000202684.23), dbSNP rs752204728, ClinGen allele CA309974.
Genomic context (GRCh38, chr2:178,611,560, plus strand): 5'-AAGTCCTTTATTGGGCGAGAATTAACTCTCATCCATTTCTCAGTGCCTACTGGACACATT[T>G]CAACATGGTATCCTATGATAGGACTTCCACCATTTTTCTCTGGAGGCTTCCAAGCAATGG-3'
Protein context (NP_001254479.2, residues 16880-16900): GGSPIIGYHV[Glu16890Ala]MCPVGTEKWM

ClinVar aggregate classification (germline): Conflicting classifications of pathogenicity. Review status: criteria provided, conflicting classifications (1 of 4 stars). 10 submissions from 6 submitters: Uncertain significance (4); Benign (3); Likely benign (3). Last evaluated 2026-01-17.

Conditions:
TTN-related disorder. Also called: TTN-related condition; TTN-related disease; TTN-related disorders.
Cardiovascular phenotype. Identifiers: MedGen CN230736.
Dilated cardiomyopathy 1G (CMD1G). Identifiers: Orphanet 154, MedGen C1858763, MONDO:0011400, OMIM 604145.
Autosomal recessive limb-girdle muscular dystrophy type 2J (LGMDR10). Also called: Limb-girdle muscular dystrophy, type 2J; MUSCULAR DYSTROPHY, LIMB-GIRDLE, AUTOSOMAL RECESSIVE 10. Identifiers: Orphanet 140922, MedGen C1837342, MONDO:0012127, OMIM 608807.
Tibial muscular dystrophy (TMD). Also called: Tibial muscular dystrophy, tardive; Udd Distal Myopathy – Tibial Muscular Dystrophy; UDD MYOPATHY. Identifiers: Orphanet 609, MedGen C1838244, MONDO:0010870, OMIM 600334.
Myopathy, myofibrillar, 9, with early respiratory failure (MFM9). Also called: Myopathy, distal, with early respiratory failure, autosomal dominant; MYOPATHY, PROXIMAL, WITH EARLY RESPIRATORY MUSCLE INVOLVEMENT; Hereditary myopathy with early respiratory failure; EDSTROM MYOPATHY. Identifiers: Orphanet 178464, Orphanet 34521, MedGen C1863599, MONDO:0011362, OMIM 603689.
Early-onset myopathy with fatal cardiomyopathy (CMYO5). Also called: Salih Myopathy; CONGENITAL MYOPATHY 5 WITH CARDIOMYOPATHY. Identifiers: Orphanet 289377, MedGen C2673677, MONDO:0012714, OMIM 611705. Disease mechanism: loss of function.

Allele frequency attached by ClinVar (database versions not stated): gnomAD 0.00003; gnomAD exomes 0.00008 and 0.00019; TOPMed 0.00010; ExAC 0.00018.
gnomAD v4.1: 57 of 1,612,926 alleles (0.0035%); highest among the groups gnomAD compares: Admixed American, 0.09%; no homozygotes.

Submissions (10):

Labcorp Genetics (formerly Invitae), Labcorp
Classification: Likely benign for Dilated cardiomyopathy 1G; Autosomal recessive limb-girdle muscular dystrophy type 2J. Last evaluated: 2026-01-17. Review status: criteria provided, single submitter. Criteria: Invitae Variant Classification Sherloc (09022015). Collection method: clinical testing. Allele origin: germline.

Revvity Omics, Revvity
Classification: Uncertain significance. Last evaluated: 2024-11-15. Review status: criteria provided, single submitter. Criteria: ACMG Guidelines, 2015. Collection method: clinical testing. Allele origin: germline.

PreventionGenetics, part of Exact Sciences
Classification: Likely benign for TTN-related condition. Last evaluated: 2024-10-11. Review status: criteria provided, single submitter. Criteria: ACMG Guidelines, 2015. Collection method: clinical testing. Allele origin: germline.
Comment: This variant is classified as likely benign based on ACMG/AMP sequence variant interpretation guidelines (Richards et al. 2015 PMID: 25741868, with internal and published modifications).

GeneDx
Classification: Likely benign. Last evaluated: 2020-11-27. Review status: criteria provided, single submitter. Criteria: GeneDx Variant Classification Process June 2021. Collection method: clinical testing. Allele origin: germline. Affected: yes.

Ambry Genetics
Classification: Benign for Cardiovascular phenotype. Last evaluated: 2020-07-24. Review status: criteria provided, single submitter. Criteria: Ambry Variant Classification Scheme 2023. Collection method: clinical testing. Allele origin: germline.

Illumina Laboratory Services, Illumina
Classification: Uncertain significance for Autosomal recessive limb-girdle muscular dystrophy type 2J. Last evaluated: 2018-01-13. Review status: criteria provided, single submitter. Criteria: ICSL Variant Classification Criteria 13 December 2019. Collection method: clinical testing. Allele origin: germline.

Illumina Laboratory Services, Illumina
Classification: Uncertain significance for Dilated cardiomyopathy 1G. Last evaluated: 2018-01-13. Review status: criteria provided, single submitter. Criteria: ICSL Variant Classification Criteria 13 December 2019. Collection method: clinical testing. Allele origin: germline.

Illumina Laboratory Services, Illumina
Classification: Benign for Myopathy, myofibrillar, 9, with early respiratory failure. Last evaluated: 2018-01-13. Review status: criteria provided, single submitter. Criteria: ICSL Variant Classification Criteria 13 December 2019. Collection method: clinical testing. Allele origin: germline.
Comment: This variant was observed in the ICSL laboratory as part of a predisposition screen in an ostensibly healthy population. It had not been previously curated by ICSL or reported in the Human Gene Mutation Database (HGMD: prior to June 1st, 2018), and was therefore a candidate for classification through an automated scoring system. Utilizing variant allele frequency, disease prevalence and penetrance estimates, and inheritance mode, an automated score was calculated to assess if this variant is too frequent to cause the disease. Based on the score and internal cut-off values, a variant classified as benign is not then subjected to further curation. The score for this variant resulted in a classification of benign for this disease.

Illumina Laboratory Services, Illumina
Classification: Benign for Tibial muscular dystrophy. Last evaluated: 2018-01-13. Review status: criteria provided, single submitter. Criteria: ICSL Variant Classification Criteria 13 December 2019. Collection method: clinical testing. Allele origin: germline.
Comment: the same text as in the submission from Illumina Laboratory Services, Illumina above.

Illumina Laboratory Services, Illumina
Classification: Uncertain significance for Early-onset myopathy with fatal cardiomyopathy. Last evaluated: 2018-01-13. Review status: criteria provided, single submitter. Criteria: ICSL Variant Classification Criteria 13 December 2019. Collection method: clinical testing. Allele origin: germline.